The following is an entry in ClinVar:

NM_019892.6(INPP5E):c.*703A>G

Gene: INPP5E (inositol polyphosphate-5-phosphatase E; minus strand). Cytogenetic location: 9q34.3.
Variant type: single nucleotide variant.
Coding change: c.*703A>G on transcript NM_019892.6 (MANE Select); 703 bases downstream of the stop codon, A replaced by G.
Molecular consequence: 3 prime UTR variant.
Genome position (GRCh38, 1-based): chr9:136,428,972, T>C on the plus strand (A>G on the coding strand, the complement: INPP5E is on the minus strand). VCF-style: chr9-136428972-T-C. GRCh37 (hg19) VCF-style: chr9-139323424-T-C.
Other names: c.*703A>G (NM_001318502.2).
Identifiers: ClinVar variation 365873 (VCV000365873.6), dbSNP rs1128874, ClinGen allele CA10633015.
Genomic context (GRCh38, chr9:136,428,972, plus strand): 5'-CTACGTCACCAAGACCATGAGACGGTTTCAAAAATGGTCTACGTCACCAAGACCATGAGA[T>C]GGTTTCACACAATAGGCTTGGCCTATGAGAGGAGGGGAAGCAGCTTCTTACTCAGCTGGG-3'

ClinVar aggregate classification (germline): Benign. Review status: criteria provided, multiple submitters, no conflicts (2 of 4 stars). 2 submissions from 2 submitters: Benign (2). Last evaluated 2017-04-27.

Conditions:
Joubert syndrome 1 (JBTS1). Also called: Cerebellooculorenal syndrome 1; CEREBELLOPARENCHYMAL DISORDER IV. Identifiers: MedGen C4551568, MONDO:0008944, OMIM 213300.

Allele frequency attached by ClinVar (database versions not stated): gnomAD 0.42476 and 0.42001; 1000 Genomes Project 0.37760; TOPMed 0.43525; gnomAD exomes 0.38400.
gnomAD v4.1: 63,938 of 152,310 alleles (42%); highest among the groups gnomAD compares: Admixed American, 53%; 13,715 homozygotes.

Submissions (2):

Illumina Laboratory Services, Illumina
Classification: Benign for Joubert syndrome 1. Last evaluated: 2017-04-27. Review status: criteria provided, single submitter. Criteria: ICSL Variant Classification Criteria 13 December 2019. Collection method: clinical testing. Allele origin: germline.
Comment: This variant was observed as part of a predisposition screen in an ostensibly healthy population. A literature search was performed for the gene, cDNA change, and amino acid change (where applicable). No publications were found based on this search. Allele frequency data from public databases was too high to be consistent with this variant causing disease. Therefore, this variant is classified as benign.

Breakthrough Genomics
Classification: Benign. Review status: criteria provided, single submitter. Criteria: ACMG Guidelines, 2015. Collection method: not provided. Allele origin: germline. Inheritance: Autosomal recessive inheritance. Affected: yes.